The following is an entry in ClinVar:

ClinVar aggregate classification (germline): other (0 of 4 stars; one submission).

Conditions:
Familial colorectal cancer. Identifiers: MedGen CN280943, MONDO:0023113. Disease mechanism: loss of function.

Submission:

Systems Biology Platform Zhejiang California International NanoSystems Institute
Classification: other for Familial colorectal cancer. Review status: no assertion criteria provided. Collection method: not provided. Allele origin: unknown.
ClinVar note: Converted during submission from cancer to other.

NM_000038.6(APC):c.835-5500C>A

Gene: APC (APC regulator of WNT signaling pathway; plus strand). Cytogenetic location: 5q22.2.
Variant type: single nucleotide variant.
Coding change: c.835-5500C>A on transcript NM_000038.6 (MANE Select); 5500 bases into the intron before coding-DNA position 835, C replaced by A.
Molecular consequence: intron variant.
Genome position (GRCh38, 1-based): chr5:112,809,995, C>A. VCF-style: chr5-112809995-C-A. GRCh37 (hg19) VCF-style: chr5-112145692-C-A.
Other names: c.835-5500C>A (NM_001354895.2, NM_001127510.3, NM_001354896.2 and 1 more transcripts); c.865-5500C>A (NM_001354897.2, NM_001354902.2); c.781-5500C>A (NM_001127511.3); c.760-5500C>A (NM_001354898.2, NM_001354904.2); c.-201-131C>A (NM_001354906.2); c.751-5500C>A (NM_001354899.2); c.658-5500C>A (NM_001354900.2, NM_001354901.2, NM_001354905.2).
Identifiers: ClinVar variation 83076 (VCV000083076.2), dbSNP rs74539680, ClinGen allele CA015303.